The following is an entry in ClinVar:

ClinVar aggregate classification (germline): Pathogenic/Likely pathogenic. Review status: criteria provided, multiple submitters, no conflicts (2 of 4 stars). 3 submissions from 3 submitters: Pathogenic (2); Likely pathogenic (1). Last evaluated 2026-09-30.

Conditions:
Neurofibromatosis, type 1 (NF1). Also called: Peripheral type neurofibromatosis; Neurofibromatosis, type I; VON RECKLINGHAUSEN DISEASE; NEUROFIBROMATOSIS, TYPE I, SOMATIC. Identifiers: Orphanet 636, MedGen C0027831, MONDO:0018975, OMIM 162200. Disease mechanism: loss of function.
Juvenile myelomonocytic leukemia (JMML). Also called: LEUKEMIA, JUVENILE MYELOMONOCYTIC, SOMATIC. Identifiers: Orphanet 86834, MedGen C0349639, MONDO:0011908, OMIM 607785, HP:0012209.

Submissions (3):

Myriad Genetics, Inc.
Classification: Likely pathogenic for Neurofibromatosis, type 1. Last evaluated: 2026-09-30. Review status: criteria provided, single submitter. Criteria: Myriad Autosomal Dominant, Autosomal Recessive and X-Linked Classification Criteria (2023). Collection method: clinical testing. Allele origin: unknown.
Comment: This variant is considered likely pathogenic. This variant occurs within a consensus splice junction and is predicted to result in abnormal mRNA splicing of either an out-of-frame exon or an in-frame exon necessary for protein stability and/or normal function.

Labcorp Genetics (formerly Invitae), Labcorp
Classification: Pathogenic for Neurofibromatosis, type 1. Last evaluated: 2024-10-12. Review status: criteria provided, single submitter. Criteria: Invitae Variant Classification Sherloc (09022015). Collection method: clinical testing. Allele origin: germline.
Comment: This sequence change affects an acceptor splice site in intron 45 of the NF1 gene. It is expected to disrupt RNA splicing. Variants that disrupt the donor or acceptor splice site typically lead to a loss of protein function (PMID: 16199547), and loss-of-function variants in NF1 are known to be pathogenic (PMID: 10712197, 23913538). This variant is not present in population databases (gnomAD no frequency). Disruption of this splice site has been observed in individual(s) with clinical features of neurofibromatosis type 1 (PMID: 23913538; internal data). Algorithms developed to predict the effect of sequence changes on RNA splicing suggest that this variant may disrupt the consensus splice site. For these reasons, this variant has been classified as Pathogenic.

Baylor Genetics
Classification: Pathogenic for Juvenile myelomonocytic leukemia. Last evaluated: 2022-09-30. Review status: criteria provided, single submitter. Criteria: ACMG Guidelines, 2015. Collection method: clinical testing. Allele origin: unknown.

Literature cited by the submitters: PubMed 16199547 (cited by Labcorp Genetics (formerly Invitae), Labcorp); PubMed 10712197 (cited by Labcorp Genetics (formerly Invitae), Labcorp); PubMed 23913538 (cited by Labcorp Genetics (formerly Invitae), Labcorp).

NM_001042492.3(NF1):c.6922-1G>A

Gene: NF1 (neurofibromin 1; plus strand). Cytogenetic location: 17q11.2.
Variant type: single nucleotide variant.
Coding change: c.6922-1G>A on transcript NM_001042492.3 (MANE Select); the canonical splice acceptor site of the intron before coding-DNA position 6922, G replaced by A.
Molecular consequence: splice acceptor variant.
Genome position (GRCh38, 1-based): chr17:31,340,504, G>A. VCF-style: chr17-31340504-G-A. GRCh37 (hg19) VCF-style: chr17-29667522-G-A.
Other names: c.6859-1G>A (NM_000267.4).
Identifiers: ClinVar variation 2677228 (VCV002677228.4), dbSNP rs1131691115, ClinGen allele CA399014837.